The following is an entry in ClinVar:

NM_001378615.1(CC2D2A):c.2708A>G (p.Gln903Arg)

Genes: CC2D2A (coiled-coil and C2 domain containing 2A; plus strand), FBXL5 (F-box and leucine rich repeat protein 5; minus strand). Cytogenetic location: 4p15.32.
Variant type: single nucleotide variant.
Coding change: c.2708A>G on transcript NM_001378615.1 (MANE Select); coding-DNA position 2708, A replaced by G.
Protein change: p.Gln903Arg; replaces glutamine 903 with arginine.
Molecular consequence: missense variant.
Genome position (GRCh38, 1-based): chr4:15,557,386, A>G. VCF-style: chr4-15557386-A-G. GRCh37 (hg19) VCF-style: chr4-15559009-A-G.
Other names: c.2708A>G, p.Gln903Arg (NM_001080522.2); c.2561A>G, p.Gln854Arg (NM_001378617.1); short protein forms Q854R, Q903R.
Identifiers: ClinVar variation 2145554 (VCV002145554.5), dbSNP rs763984077, ClinGen allele CA2863994.
Genomic context (GRCh38, chr4:15,557,386, plus strand): 5'-ATGTCCCTGATTTCTTTAGACTGGAGCAGCTGCAACAGGAGTTTAACTTTGTTTCAGATC[A>G]AGAATTAAATAGATCCAAACGATTTAGGCTTCTTCATCTTAGAAGCCAAGAGGTGCCAGA-3'
Protein context (NP_001365544.1, residues 893-913): LQQEFNFVSD[Gln903Arg]ELNRSKRFRL

ClinVar aggregate classification (germline): Uncertain significance. Review status: criteria provided, multiple submitters, no conflicts (2 of 4 stars). 2 submissions from 2 submitters: Uncertain significance (2). Last evaluated 2024-05-15.

Conditions:
COACH syndrome 2. Identifiers: MedGen C5436837, MONDO:0030859, OMIM 619111.
Meckel syndrome, type 6. Identifiers: Orphanet 564, MedGen C2676790, MONDO:0012848, OMIM 612284.
Joubert syndrome 9 (JBTS9). Identifiers: Orphanet 2318, MedGen C2676788, MONDO:0012849, OMIM 612285.
Retinitis pigmentosa 93. Identifiers: MedGen C5676970, MONDO:0030797, OMIM 619845.
Joubert syndrome. Also called: JOUBERT-BOLTSHAUSER SYNDROME; Familial aplasia of the vermis. Identifiers: Orphanet 475, MedGen C5979921, MONDO:0018772.
Meckel-Gruber syndrome. Also called: DYSENCEPHALIA SPLANCHNOCYSTICA; GRUBER SYNDROME; Dysencephalia splachnocystica. Identifiers: Orphanet 564, MedGen C0265215, MONDO:0018921.

Allele frequency attached by ClinVar (database versions not stated): TOPMed below 0.00001; ExAC 0.00003; gnomAD 0.00003; gnomAD exomes 0.00004.
gnomAD v4.1: 62 of 1,613,676 alleles (0.0038%); highest among the groups gnomAD compares: East Asian, 0.13%; no homozygotes.

Submissions (2):

Labcorp Genetics (formerly Invitae), Labcorp
Classification: Uncertain significance for Joubert syndrome; Meckel-Gruber syndrome. Last evaluated: 2024-05-15. Review status: criteria provided, single submitter. Criteria: Invitae Variant Classification Sherloc (09022015). Collection method: clinical testing. Allele origin: germline.
Comment: This sequence change replaces glutamine, which is neutral and polar, with arginine, which is basic and polar, at codon 903 of the CC2D2A protein (p.Gln903Arg). This variant is present in population databases (rs763984077, gnomAD 0.02%). This variant has not been reported in the literature in individuals affected with CC2D2A-related conditions. ClinVar contains an entry for this variant (Variation ID: 2145554). Advanced modeling of protein sequence and biophysical properties (such as structural, functional, and spatial information, amino acid conservation, physicochemical variation, residue mobility, and thermodynamic stability) performed at Invitae indicates that this missense variant is not expected to disrupt CC2D2A protein function with a negative predictive value of 95%. In summary, the available evidence is currently insufficient to determine the role of this variant in disease. Therefore, it has been classified as a Variant of Uncertain Significance.

Fulgent Genetics
Classification: Uncertain significance for Meckel syndrome, type 6; Joubert syndrome 9; COACH syndrome 2; Retinitis pigmentosa 93. Last evaluated: 2024-03-13. Review status: criteria provided, single submitter. Criteria: ACMG Guidelines, 2015. Collection method: clinical testing. Allele origin: germline.